The following is an entry in ClinVar:

ClinVar aggregate classification (germline): Uncertain significance (1 of 4 stars; one submission).

Conditions:
Catecholaminergic polymorphic ventricular tachycardia 1. Also called: VENTRICULAR TACHYCARDIA, CATECHOLAMINERGIC POLYMORPHIC, 1, WITH OR WITHOUT ATRIAL DYSFUNCTION AND/OR DILATED CARDIOMYOPATHY; RYR2-Related Catecholaminergic Polymorphic Ventricular Tachycardia; VENTRICULAR TACHYCARDIA, STRESS-INDUCED POLYMORPHIC 1. Identifiers: Orphanet 3286, MedGen C1631597, MONDO:0011484, OMIM 604772.

gnomAD v4.1: 1 of 1,613,864 alleles (0.000062%); highest among the groups gnomAD compares: African/African-American, 0.0013%; no homozygotes.

Submission:

Labcorp Genetics (formerly Invitae), Labcorp
Classification: Uncertain significance for Catecholaminergic polymorphic ventricular tachycardia 1. Last evaluated: 2024-03-06. Review status: criteria provided, single submitter. Criteria: Invitae Variant Classification Sherloc (09022015). Collection method: clinical testing. Allele origin: germline.
Comment: This sequence change replaces tyrosine, which is neutral and polar, with cysteine, which is neutral and slightly polar, at codon 1453 of the RYR2 protein (p.Tyr1453Cys). This variant is not present in population databases (gnomAD no frequency). This variant has not been reported in the literature in individuals affected with RYR2-related conditions. Advanced modeling of protein sequence and biophysical properties (such as structural, functional, and spatial information, amino acid conservation, physicochemical variation, residue mobility, and thermodynamic stability) performed at Invitae indicates that this missense variant is expected to disrupt RYR2 protein function with a positive predictive value of 95%. In summary, the available evidence is currently insufficient to determine the role of this variant in disease. Therefore, it has been classified as a Variant of Uncertain Significance.

NM_001035.3(RYR2):c.4358A>G (p.Tyr1453Cys)

Gene: RYR2 (ryanodine receptor 2; plus strand). Cytogenetic location: 1q43.
Variant type: single nucleotide variant.
Coding change: c.4358A>G on transcript NM_001035.3 (MANE Select); coding-DNA position 4358, A replaced by G.
Protein change: p.Tyr1453Cys; replaces tyrosine 1453 with cysteine.
Molecular consequence: missense variant.
Genome position (GRCh38, 1-based): chr1:237,593,558, A>G. VCF-style: chr1-237593558-A-G. GRCh37 (hg19) VCF-style: chr1-237756858-A-G.
Other names: short protein forms Y1453C.
Identifiers: ClinVar variation 3633794 (VCV003633794.2).